The following is an entry in ClinVar:

ClinVar aggregate classification (germline): Likely pathogenic (1 of 4 stars; one submission).

Conditions:
Dilated cardiomyopathy 1G (CMD1G). Identifiers: Orphanet 154, MedGen C1858763, MONDO:0011400, OMIM 604145.
Autosomal recessive limb-girdle muscular dystrophy type 2J (LGMDR10). Also called: Limb-girdle muscular dystrophy, type 2J; MUSCULAR DYSTROPHY, LIMB-GIRDLE, AUTOSOMAL RECESSIVE 10. Identifiers: Orphanet 140922, MedGen C1837342, MONDO:0012127, OMIM 608807.

Submission:

Labcorp Genetics (formerly Invitae), Labcorp
Classification: Likely pathogenic for Dilated cardiomyopathy 1G; Autosomal recessive limb-girdle muscular dystrophy type 2J. Last evaluated: 2024-11-04. Review status: criteria provided, single submitter. Criteria: Invitae Variant Classification Sherloc (09022015). Collection method: clinical testing. Allele origin: germline.
Comment: This sequence change creates a premature translational stop signal (p.Val433Leufs*6) in the TTN gene. While this is not anticipated to result in nonsense mediated decay, it is expected to create a truncated TTN protein. This variant is not present in population databases (gnomAD no frequency). This variant has not been observed in the literature in individuals with autosomal recessive TTN-related conditions. This variant has been reported in individual(s) with dilated cardiomyopathy (internal data); however, the role of the variant in this condition is currently unclear. ClinVar contains an entry for this variant (Variation ID: 965718). This variant is located in the Z band of TTN (PMID: 25589632). Truncating variants in this region have been reported in individuals affected with autosomal recessive centronuclear myopathy (PMID: 33449170, internal data). Truncating variants in this region have also been identified in individuals affected with autosomal dominant dilated cardiomyopathy and/or cardio-related conditions (PMID: 27869827, 32964742, internal data). This variant is located in the Z band of TTN (PMID: 25589632). Non-truncating variants in this region may be clinically relevant, but have not been definitively shown to cause cardiomyopathy or neuromuscular disease (PMID: 27493940, 32778822). In summary, the currently available evidence indicates that the variant is pathogenic, but additional data are needed to prove that conclusively. Therefore, this variant has been classified as Likely Pathogenic.

Literature cited by the submitters: PubMed 25589632; PubMed 33449170; PubMed 27869827; PubMed 32964742; PubMed 27493940; PubMed 32778822.

NM_001267550.2(TTN):c.1296del (p.Val433fs)

Gene: TTN (titin; minus strand). Cytogenetic location: 2q31.2.
Variant type: Deletion.
Coding change: c.1296del on transcript NM_001267550.2 (MANE Select); coding-DNA position 1296, one base deleted (C; older notation c.1296delC).
Protein change: p.Val433fs; shifts the reading frame from valine 433.
Molecular consequence: frameshift variant.
Genome position (GRCh38, 1-based): chr2:178,794,501, G deleted on the plus strand (C on the coding strand, the reverse complement: TTN is on the minus strand); the first of 2 consecutive G bases (chr2:178,794,501-178,794,502); deleting either gives the same sequence. VCF-style (leftmost placement, unchanged base first): chr2-178794500-CG-C. GRCh37 (hg19) VCF-style: chr2-179659227-CG-C.
Other names: c.1296del, p.Val433fs (NM_001256850.1, NM_003319.4, NM_133378.4 and 3 more transcripts); short protein forms V433fs.
Identifiers: ClinVar variation 965718 (VCV000965718.10), dbSNP rs2093669726, ClinGen allele CA1139657501.